The following is an entry in ClinVar:

ClinVar aggregate classification (germline): Likely benign. Review status: criteria provided, multiple submitters, no conflicts (2 of 4 stars). 2 submissions from 2 submitters: Likely benign (2). Last evaluated 2026-05-01.

gnomAD v4.1: 13 of 1,612,916 alleles (0.00081%); highest among the groups gnomAD compares: East Asian, 0.0022%; no homozygotes.

Submissions (2):

CeGaT Center for Human Genetics Tuebingen
Classification: Likely benign. Last evaluated: 2026-05-01. Review status: criteria provided, single submitter. Criteria: CeGaT Center For Human Genetics Tuebingen Variant Classification Criteria Version 2. Collection method: clinical testing. Allele origin: germline. Affected: yes. Observed: 1 variant allele.
Comment: LONP1: BP4, BP7

Labcorp Genetics (formerly Invitae), Labcorp
Classification: Likely benign. Last evaluated: 2025-01-17. Review status: criteria provided, single submitter. Criteria: Invitae Variant Classification Sherloc (09022015). Collection method: clinical testing. Allele origin: germline.

NM_004793.4(LONP1):c.2718G>A (p.Gly906=)

Gene: LONP1 (lon peptidase 1, mitochondrial; minus strand). Cytogenetic location: 19p13.3.
Variant type: single nucleotide variant.
Coding change: c.2718G>A on transcript NM_004793.4 (MANE Select); coding-DNA position 2718, G replaced by A.
Protein change: p.Gly906=; no amino-acid change (glycine 906 retained).
Molecular consequence: synonymous variant. On other transcripts: non-coding transcript variant (1).
Genome position (GRCh38, 1-based): chr19:5,692,194, C>T on the plus strand (G>A on the coding strand, the complement: LONP1 is on the minus strand). VCF-style: chr19-5692194-C-T. GRCh37 (hg19) VCF-style: chr19-5692205-C-T.
Other names: c.2526G>A, p.Gly842= (NM_001276479.2); c.2130G>A, p.Gly710= (NM_001276480.1).
Identifiers: ClinVar variation 3679712 (VCV003679712.4).